The following is an entry in ClinVar:

ClinVar aggregate classification (germline): Pathogenic/Likely pathogenic. Review status: criteria provided, multiple submitters, no conflicts (2 of 4 stars). 4 submissions from 4 submitters: Pathogenic (3); Likely pathogenic (1). Last evaluated 2025-09-06.

Conditions:
Breast neoplasm. Also called: Neoplasm of the breast; Breast tumor; Neoplasm of breast; Breast Neoplasms. Identifiers: MedGen C1458155, MeSH D001943, MONDO:0021100, HP:0100013. Disease mechanism: gain of function.
Familial cancer of breast. Also called: BREAST CANCER, FAMILIAL; Hereditary breast cancer; hereditary breast carcinoma. Identifiers: Orphanet 227535, MedGen C0346153, MONDO:0016419, OMIM 114480. Disease mechanism: loss of function.

Submissions (4):

Dasa
Classification: Pathogenic. Last evaluated: 2025-09-06. Review status: criteria provided, single submitter. Criteria: DASA Assertion Criteria. Collection method: clinical testing. Allele origin: germline.
Comment: NM_000465.4(BARD1):c.654G>A (p.Trp218*) introduces a premature termination codon predicted to result in loss of normal protein function. Loss-of-function is an established mechanism of disease for this gene. This variant has been reported in individuals with related phenotype (PMID: 29566657). The variant is present at low frequency in population datasets. Based on the available data, this variant is classified as pathogenic.

Labcorp Genetics (formerly Invitae), Labcorp
Classification: Pathogenic for Familial cancer of breast. Last evaluated: 2024-05-27. Review status: criteria provided, single submitter. Criteria: Invitae Variant Classification Sherloc (09022015). Collection method: clinical testing. Allele origin: germline.
Comment: This sequence change creates a premature translational stop signal (p.Trp218*) in the BARD1 gene. It is expected to result in an absent or disrupted protein product. Loss-of-function variants in BARD1 are known to be pathogenic (PMID: 20077502, 21344236). This variant is not present in population databases (gnomAD no frequency). This premature translational stop signal has been observed in individual(s) with a personal and/or family history of breast and/or ovarian cancer (PMID: 29566657). ClinVar contains an entry for this variant (Variation ID: 430590). For these reasons, this variant has been classified as Pathogenic.

Revvity Omics, Revvity
Classification: Likely pathogenic. Last evaluated: 2022-04-12. Review status: criteria provided, single submitter. Criteria: ACMG Guidelines, 2015. Collection method: clinical testing. Allele origin: germline.

Yang An-Suei Laboratory, Academia Sinica
Classification: Pathogenic for breast cancer. Review status: criteria provided, single submitter. Criteria: Submitter's publication. Collection method: clinical testing. Allele origin: germline. Affected: yes.

Literature cited by the submitters: PubMed 29566657 (cited by Dasa and Labcorp Genetics (formerly Invitae), Labcorp); PubMed 20077502 (cited by Labcorp Genetics (formerly Invitae), Labcorp); PubMed 21344236 (cited by Labcorp Genetics (formerly Invitae), Labcorp).

NM_000465.4(BARD1):c.654G>A (p.Trp218Ter)

Gene: BARD1 (BRCA1 associated RING domain 1; minus strand). Cytogenetic location: 2q35.
Variant type: single nucleotide variant.
Coding change: c.654G>A on transcript NM_000465.4 (MANE Select); coding-DNA position 654, G replaced by A.
Protein change: p.Trp218Ter; replaces tryptophan 218 with a stop codon.
Molecular consequence: nonsense. On other transcripts: non-coding transcript variant (2), intron variant (3).
Genome position (GRCh38, 1-based): chr2:214,781,220, C>T on the plus strand (G>A on the coding strand, the complement: BARD1 is on the minus strand). VCF-style: chr2-214781220-C-T. GRCh37 (hg19) VCF-style: chr2-215645944-C-T.
Other names: c.597G>A, p.Trp199Ter (NM_001282543.2); c.158+28192G>A (NM_001282548.2); c.215+15841G>A (NM_001282545.2); c.364+11077G>A (NM_001282549.2); short protein forms W218*, W199*.
Identifiers: ClinVar variation 430590 (VCV000430590.8), dbSNP rs1553622530, ClinGen allele CA350456569.